The following is an entry in ClinVar:

ClinVar aggregate classification (germline): Uncertain significance (1 of 4 stars; one submission).

Conditions:
Intellectual disability, X-linked, with or without seizures, ARX-related. Also called: MENTAL RETARDATION, X-LINKED 29; MENTAL RETARDATION, X-LINKED 32; MENTAL RETARDATION, X-LINKED 33; MENTAL RETARDATION, X-LINKED 38; MENTAL RETARDATION, X-LINKED 43; MENTAL RETARDATION, X-LINKED 76. Identifiers: Orphanet 777, MedGen C0796244, MONDO:0010317, OMIM 300419.
Developmental and epileptic encephalopathy, 1 (DEE1). Also called: INFANTILE SPASM SYNDROME, X-LINKED 1; X-linked infantile spasms; West's syndrome; Tonic spasms with clustering, arrest of psychomotor development and hypsarrhythmia on EEG; X-Linked Infantile Spasm Syndrome; OHTAHARA SYNDROME, X-LINKED. Identifiers: MedGen C3463992, MONDO:0010632, OMIM 308350. Disease mechanism: loss of function.

Submission:

Labcorp Genetics (formerly Invitae), Labcorp
Classification: Uncertain significance for Developmental and epileptic encephalopathy, 1; Intellectual disability, X-linked, with or without seizures, ARX-related. Last evaluated: 2023-10-31. Review status: criteria provided, single submitter. Criteria: Invitae Variant Classification Sherloc (09022015). Collection method: clinical testing. Allele origin: germline.
Comment: This sequence change replaces arginine, which is basic and polar, with cysteine, which is neutral and slightly polar, at codon 330 of the ARX protein (p.Arg330Cys). This variant is not present in population databases (gnomAD no frequency). This missense change has been observed in individual(s) with clinical features of ARX-related conditions (Invitae). Advanced modeling of protein sequence and biophysical properties (such as structural, functional, and spatial information, amino acid conservation, physicochemical variation, residue mobility, and thermodynamic stability) performed at Invitae indicates that this missense variant is expected to disrupt ARX protein function with a positive predictive value of 80%. This variant disrupts the p.Arg330 amino acid residue in ARX. Other variant(s) that disrupt this residue have been observed in individuals with ARX-related conditions (PMID: 31324350, 31791873, 35121198), which suggests that this may be a clinically significant amino acid residue. In summary, the available evidence is currently insufficient to determine the role of this variant in disease. Therefore, it has been classified as a Variant of Uncertain Significance.

Literature cited by the submitters: PubMed 31324350; PubMed 31791873; PubMed 35121198.

NM_139058.3(ARX):c.988C>T (p.Arg330Cys)

Gene: ARX (aristaless related homeobox; minus strand). Cytogenetic location: Xp21.3.
Variant type: single nucleotide variant.
Coding change: c.988C>T on transcript NM_139058.3 (MANE Select); coding-DNA position 988, C replaced by T.
Protein change: p.Arg330Cys; replaces arginine 330 with cysteine.
Molecular consequence: missense variant.
Genome position (GRCh38, 1-based): chrX:25,013,007, G>A on the plus strand (C>T on the coding strand, the complement: ARX is on the minus strand). VCF-style: chrX-25013007-G-A. GRCh37 (hg19) VCF-style: chrX-25031124-G-A.
Other names: short protein forms R330C.
Identifiers: ClinVar variation 2953437 (VCV002953437.3), dbSNP rs2519106352, ClinGen allele CA412612006.